The following is an entry in ClinVar:

ClinVar aggregate classification (germline): Pathogenic (1 of 4 stars; one submission).

Conditions:
Deafness-lymphedema-leukemia syndrome. Also called: Emberger syndrome; Lymphedema, primary, with myelodysplasia. Identifiers: Orphanet 3226, MedGen C3279664, MONDO:0013540, OMIM 614038.
GATA2 deficiency with susceptibility to MDS/AML. Identifiers: MedGen CN300066, MONDO:0042982.

Submission:

Molecular Pathology Research Laboratory, SA Pathology
Classification: Pathogenic for GATA2 deficiency with susceptibility to MDS/AML; Deafness-lymphedema-leukemia syndrome. Last evaluated: 2021-07-06. Review status: criteria provided, single submitter. Criteria: ACMG Guidelines, 2015. Collection method: curation. Allele origin: unknown. Inheritance: Autosomal dominant inheritance. Affected: yes. Observed: 1 variant allele.
Comment: PVS1, PS4_Supporting, PM2

Literature cited by the submitters: PubMed 24077845.

NM_032638.5(GATA2):c.793_802del (p.Phe265fs)

Gene: GATA2 (GATA binding protein 2; minus strand). Cytogenetic location: 3q21.3.
Variant type: Deletion.
Coding change: c.793_802del on transcript NM_032638.5 (MANE Select); coding-DNA positions 793 to 802, 10 bases deleted (TTCCACCCCG; older notation c.793_802delTTCCACCCCG).
Protein change: p.Phe265fs; shifts the reading frame from phenylalanine 265.
Molecular consequence: frameshift variant.
Genome position (GRCh38, 1-based): chr3:128,485,796-128,485,805, CGGGGTGGAA deleted on the plus strand (TTCCACCCCG on the coding strand, the reverse complement: GATA2 is on the minus strand). VCF-style (leftmost placement, unchanged base first): chr3-128485795-CCGGGGTGGAA-C. GRCh37 (hg19) VCF-style: chr3-128204638-CCGGGGTGGAA-C.
Other names: c.793_802del, p.Phe265fs (NM_001145661.2, NM_001145662.1); short protein forms F265fs.
Identifiers: ClinVar variation 1184233 (VCV001184233.1), dbSNP rs2107671923, ClinGen allele CA1139532795.